The following is an entry in ClinVar:

NM_020778.5(ALPK3):c.206C>A (p.Ala69Asp)

Gene: ALPK3 (alpha kinase 3; plus strand). Cytogenetic location: 15q25.3.
Variant type: single nucleotide variant.
Coding change: c.206C>A on transcript NM_020778.5 (MANE Select); coding-DNA position 206, C replaced by A.
Protein change: p.Ala69Asp; replaces alanine 69 with aspartic acid.
Molecular consequence: missense variant.
Genome position (GRCh38, 1-based): chr15:84,827,507, C>A. VCF-style: chr15-84827507-C-A. GRCh37 (hg19) VCF-style: chr15-85370738-C-A.
Other names: short protein forms A69D.
Identifiers: ClinVar variation 1762114 (VCV001762114.2), dbSNP rs966823226, ClinGen allele CA273657860.
Genomic context (GRCh38, chr15:84,827,507, plus strand): 5'-GGAAGGCCAGCTCTGAATAGCTCTTTGCCTCTCTTAGGAGCACCTTCTGCTCCATCATTG[C>A]TCAGCTCACAGAGGAGACCCAGCCGCTATTTGAGACCACGCTCAAGTCCCGGTCTGTGTC-3'
Protein context (NP_065829.4, residues 59-79): SGRSTFCSII[Ala69Asp]QLTEETQPLF

ClinVar aggregate classification (germline): Uncertain significance (1 of 4 stars; one submission).

Conditions:
Cardiovascular phenotype. Identifiers: MedGen CN230736.

Allele frequency attached by ClinVar (database versions not stated): gnomAD 0.00001; TOPMed 0.00002.
gnomAD v4.1: 24 of 1,614,098 alleles (0.0015%); highest among the groups gnomAD compares: Non-Finnish European, 0.002%; no homozygotes.

Submission:

Ambry Genetics
Classification: Uncertain significance for Cardiovascular phenotype. Last evaluated: 2022-05-30. Review status: criteria provided, single submitter. Criteria: Ambry Variant Classification Scheme 2023. Collection method: clinical testing. Allele origin: germline.
Comment: The p.A271D variant (also known as c.812C>A), located in coding exon 3 of the ALPK3 gene, results from a C to A substitution at nucleotide position 812. The alanine at codon 271 is replaced by aspartic acid, an amino acid with dissimilar properties. This amino acid position is conserved. In addition, this alteration is predicted to be tolerated by in silico analysis. Since supporting evidence is limited at this time, the clinical significance of this alteration remains unclear.